The following is an entry in ClinVar:

ClinVar aggregate classification (germline): Uncertain significance (1 of 4 stars; one submission).

gnomAD v4.1: 7 of 1,294,362 alleles (0.00054%); highest among the groups gnomAD compares: South Asian, 0.0025%; no homozygotes.

Submission:

Labcorp Genetics (formerly Invitae), Labcorp
Classification: Uncertain significance. Last evaluated: 2025-06-24. Review status: criteria provided, single submitter. Criteria: Invitae Variant Classification Sherloc (09022015). Collection method: clinical testing. Allele origin: germline.
Comment: This sequence change replaces serine, which is neutral and polar, with tyrosine, which is neutral and polar, at codon 13 of the PDSS1 protein (p.Ser13Tyr). This variant is not present in population databases (gnomAD no frequency). This variant has not been reported in the literature in individuals affected with PDSS1-related conditions. An algorithm developed to predict the effect of missense changes on protein structure and function (PolyPhen-2) suggests that this variant is likely to be disruptive. In summary, the available evidence is currently insufficient to determine the role of this variant in disease. Therefore, it has been classified as a Variant of Uncertain Significance.

NM_014317.5(PDSS1):c.38C>A (p.Ser13Tyr)

Gene: PDSS1 (decaprenyl diphosphate synthase subunit 1; plus strand). Cytogenetic location: 10p12.1.
Variant type: single nucleotide variant.
Coding change: c.38C>A on transcript NM_014317.5 (MANE Select); coding-DNA position 38, C replaced by A.
Protein change: p.Ser13Tyr; replaces serine 13 with tyrosine.
Molecular consequence: missense variant. On other transcripts: 5 prime UTR variant (1).
Genome position (GRCh38, 1-based): chr10:26,697,749, C>A. VCF-style: chr10-26697749-C-A. GRCh37 (hg19) VCF-style: chr10-26986678-C-A.
Other names: c.38C>A, p.Ser13Tyr (NM_001321978.2); c.-556C>A (NM_001321979.2); short protein forms S13Y.
Identifiers: ClinVar variation 4766031 (VCV004766031.1).